The following is an entry in ClinVar:

NM_001182.5(ALDH7A1):c.312+2T>G

Gene: ALDH7A1 (aldehyde dehydrogenase 7 family member A1; minus strand). Cytogenetic location: 5q23.2.
Variant type: single nucleotide variant.
Coding change: c.312+2T>G on transcript NM_001182.5 (MANE Select); the canonical splice donor site of the intron after coding-DNA position 312, T replaced by G.
Molecular consequence: splice donor variant.
Genome position (GRCh38, 1-based): chr5:126,592,662, A>C on the plus strand (T>G on the coding strand, the complement: ALDH7A1 is on the minus strand). VCF-style: chr5-126592662-A-C. GRCh37 (hg19) VCF-style: chr5-125928354-A-C.
Other names: c.312+2T>G (NM_001202404.2); c.228+2T>G (NM_001201377.2).
Identifiers: ClinVar variation 2837805 (VCV002837805.3), dbSNP rs1561672504, ClinGen allele CA360733027.

ClinVar aggregate classification (germline): Pathogenic (1 of 4 stars; one submission).

Conditions:
Pyridoxine-dependent epilepsy (EPEO4). Also called: PYRIDOXINE DEPENDENCY WITH SEIZURES; Pyridoxine-Dependent Seizures; EPILEPSY, EARLY-ONSET, 4, VITAMIN B6-DEPENDENT; Pyridoxine-Dependent Epilepsy - ALDH7A1. Identifiers: Orphanet 3006, MedGen C1849508, MONDO:0009945, OMIM 266100. Disease mechanism: loss of function.

Allele frequency attached by ClinVar (database versions not stated): gnomAD exomes below 0.00001.
gnomAD v4.1: 1 of 1,613,812 alleles (0.000062%); highest among the groups gnomAD compares: African/African-American, 0.0013%; no homozygotes.

Submission:

Labcorp Genetics (formerly Invitae), Labcorp
Classification: Pathogenic for Pyridoxine-dependent epilepsy. Last evaluated: 2023-02-16. Review status: criteria provided, single submitter. Criteria: Invitae Variant Classification Sherloc (09022015). Collection method: clinical testing. Allele origin: germline.
Comment: This sequence change affects a donor splice site in intron 3 of the ALDH7A1 gene. It is expected to disrupt RNA splicing. Variants that disrupt the donor or acceptor splice site typically lead to a loss of protein function (PMID: 16199547), and loss-of-function variants in ALDH7A1 are known to be pathogenic (PMID: 16491085, 20554659). This variant is not present in population databases (gnomAD no frequency). Disruption of this splice site has been observed in individual(s) with pyridoxine-dependent epilepsy (PMID: 21733724). It has also been observed to segregate with disease in related individuals. Algorithms developed to predict the effect of sequence changes on RNA splicing suggest that this variant may disrupt the consensus splice site. For these reasons, this variant has been classified as Pathogenic.

Literature cited by the submitters: PubMed 16199547; PubMed 16491085; PubMed 20554659; PubMed 21733724.